The following is an entry in ClinVar:

ClinVar aggregate classification (germline): Pathogenic (1 of 4 stars; one submission).

Conditions:
Alagille syndrome due to a JAG1 point mutation. Also called: HEPATIC DUCTULAR HYPOPLASIA, SYNDROMATIC; JAG1-Related Alagille Syndrome; Alagille Syndrome 1. Identifiers: Orphanet 261619, Orphanet 52, MedGen C1956125, MONDO:0016862, OMIM 118450.

Submission:

Labcorp Genetics (formerly Invitae), Labcorp
Classification: Pathogenic for Alagille syndrome due to a JAG1 point mutation. Last evaluated: 2024-04-27. Review status: criteria provided, single submitter. Criteria: Invitae Variant Classification Sherloc (09022015). Collection method: clinical testing. Allele origin: germline.
Comment: This sequence change creates a premature translational stop signal (p.Glu222Glyfs*9) in the JAG1 gene. It is expected to result in an absent or disrupted protein product. Loss-of-function variants in JAG1 are known to be pathogenic (PMID: 11180599). This variant is not present in population databases (gnomAD no frequency). This variant has not been reported in the literature in individuals affected with JAG1-related conditions. For these reasons, this variant has been classified as Pathogenic.

Literature cited by the submitters: PubMed 11180599.

NM_000214.3(JAG1):c.664dup (p.Glu222fs)

Gene: JAG1 (jagged canonical Notch ligand 1; minus strand). Cytogenetic location: 20p12.2.
Variant type: Duplication.
Coding change: c.664dup on transcript NM_000214.3 (MANE Select); coding-DNA position 664, one base duplicated (G; older notation c.664dupG).
Protein change: p.Glu222fs; shifts the reading frame from glutamic acid 222.
Molecular consequence: frameshift variant.
Genome position (GRCh38, 1-based): chr20:10,658,498, C duplicated on the plus strand (G on the coding strand, the reverse complement: JAG1 is on the minus strand); the first of 2 consecutive C bases (chr20:10,658,498-10,658,499); duplicating either gives the same sequence. VCF-style (leftmost placement, unchanged base first): chr20-10658497-T-TC. GRCh37 (hg19) VCF-style: chr20-10639145-T-TC.
Other names: short protein forms E222fs.
Identifiers: ClinVar variation 3651352 (VCV003651352.2).